The following is an entry in ClinVar:

ClinVar aggregate classification (germline): Uncertain significance (1 of 4 stars; one submission).

Conditions:
Autosomal dominant limb-girdle muscular dystrophy type 1D (DNAJB6) (LGMDD1). Also called: MUSCULAR DYSTROPHY, LIMB-GIRDLE, TYPE 1D; Autosomal dominant limb-girdle muscular dystrophy type 1D; Muscular dystrophy, limb-girdle, autosomal dominant 1; MUSCULAR DYSTROPHY, AUTOSOMAL DOMINANT, WITH RIMMED VACUOLES. Identifiers: Orphanet 34516, MedGen C4721885, MONDO:0021018, OMIM 603511.

Allele frequency attached by ClinVar (database versions not stated): gnomAD exomes below 0.00001 and 0.00001; TOPMed below 0.00001; ExAC 0.00002.
gnomAD v4.1: 4 of 1,612,042 alleles (0.00025%); highest among the groups gnomAD compares: Non-Finnish European, 0.00034%; no homozygotes.

Submission:

Labcorp Genetics (formerly Invitae), Labcorp
Classification: Uncertain significance for Autosomal dominant limb-girdle muscular dystrophy type 1D (DNAJB6). Last evaluated: 2024-05-25. Review status: criteria provided, single submitter. Criteria: Invitae Variant Classification Sherloc (09022015). Collection method: clinical testing. Allele origin: germline.
Comment: This sequence change replaces glycine, which is neutral and non-polar, with valine, which is neutral and non-polar, at codon 131 of the DNAJB6 protein (p.Gly131Val). This variant is present in population databases (rs777224069, gnomAD 0.002%). This variant has not been reported in the literature in individuals affected with DNAJB6-related conditions. ClinVar contains an entry for this variant (Variation ID: 1364249). Advanced modeling of protein sequence and biophysical properties (such as structural, functional, and spatial information, amino acid conservation, physicochemical variation, residue mobility, and thermodynamic stability) performed at Invitae indicates that this missense variant is not expected to disrupt DNAJB6 protein function with a negative predictive value of 80%. In summary, the available evidence is currently insufficient to determine the role of this variant in disease. Therefore, it has been classified as a Variant of Uncertain Significance.

NM_058246.4(DNAJB6):c.392G>T (p.Gly131Val)

Gene: DNAJB6 (DnaJ heat shock protein family (Hsp40) member B6; plus strand). Cytogenetic location: 7q36.3.
Variant type: single nucleotide variant.
Coding change: c.392G>T on transcript NM_058246.4 (MANE Select); coding-DNA position 392, G replaced by T.
Protein change: p.Gly131Val; replaces glycine 131 with valine.
Molecular consequence: missense variant. On other transcripts: intron variant (1).
Genome position (GRCh38, 1-based): chr7:157,382,291, G>T. VCF-style: chr7-157382291-G-T. GRCh37 (hg19) VCF-style: chr7-157174985-G-T.
Other names: c.392G>T, p.Gly131Val (NM_005494.3); c.346+14808G>T (NM_001363676.1); short protein forms G131V.
Identifiers: ClinVar variation 1364249 (VCV001364249.8), dbSNP rs777224069, ClinGen allele CA4590506.